The following is an entry in ClinVar:

ClinVar aggregate classification (germline): Uncertain significance. Review status: criteria provided, multiple submitters, no conflicts (2 of 4 stars). 3 submissions from 3 submitters: Uncertain significance (3). Last evaluated 2024-08-30.

Conditions:
Hereditary cancer-predisposing syndrome. Also called: Neoplastic Syndromes, Hereditary; Tumor predisposition; Hereditary Cancer Syndrome; Hereditary neoplastic syndrome. Identifiers: Orphanet 140162, MedGen C0027672, MeSH D009386, MONDO:0015356.
Familial adenomatous polyposis 1 (FAP1). Also called: FAMILIAL ADENOMATOUS POLYPOSIS 1, ATTENUATED; POLYPOSIS, ADENOMATOUS INTESTINAL. Identifiers: MedGen C2713442, MONDO:0021056, OMIM 175100. Disease mechanism: loss of function.

Submissions (3):

Ambry Genetics
Classification: Uncertain significance for Hereditary cancer-predisposing syndrome. Last evaluated: 2024-08-30. Review status: criteria provided, single submitter. Criteria: Ambry Variant Classification Scheme 2023. Collection method: clinical testing. Allele origin: germline.
Comment: The p.R1803S variant (also known as c.5409A>T), located in coding exon 15 of the APC gene, results from an A to T substitution at nucleotide position 5409. The arginine at codon 1803 is replaced by serine, an amino acid with dissimilar properties. This amino acid position is conserved. In addition, in silico predictors for this gene do not accurately predict pathogenicity. Based on the available evidence, the clinical significance of this variant remains unclear.

Labcorp Genetics (formerly Invitae), Labcorp
Classification: Uncertain significance for Familial adenomatous polyposis 1. Last evaluated: 2024-08-19. Review status: criteria provided, single submitter. Criteria: Invitae Variant Classification Sherloc (09022015). Collection method: clinical testing. Allele origin: germline.
Comment: This sequence change replaces arginine, which is basic and polar, with serine, which is neutral and polar, at codon 1803 of the APC protein (p.Arg1803Ser). This variant is not present in population databases (gnomAD no frequency). This variant has not been reported in the literature in individuals affected with APC-related conditions. ClinVar contains an entry for this variant (Variation ID: 918713). Invitae Evidence Modeling of protein sequence and biophysical properties (such as structural, functional, and spatial information, amino acid conservation, physicochemical variation, residue mobility, and thermodynamic stability) indicates that this missense variant is not expected to disrupt APC protein function with a negative predictive value of 95%. In summary, the available evidence is currently insufficient to determine the role of this variant in disease. Therefore, it has been classified as a Variant of Uncertain Significance.

Color Diagnostics, LLC DBA Color Health
Classification: Uncertain significance for Hereditary cancer-predisposing syndrome. Last evaluated: 2023-12-04. Review status: criteria provided, single submitter. Criteria: ACMG Guidelines, 2015. Collection method: clinical testing. Allele origin: germline.
Comment: This missense variant replaces arginine with serine at codon 1803 of the APC protein. Computational prediction tools and conservation analyses are inconclusive regarding the impact of this variant on protein structure and function. Splice site prediction tools suggest that this variant may not impact RNA splicing. To our knowledge, functional studies have not been performed for this variant. This variant has not been reported in individuals affected with hereditary cancer in the literature. This variant has not been identified in the general population by the Genome Aggregation Database (gnomAD). The available evidence is insufficient to determine the role of this variant in disease conclusively. Therefore, this variant is classified as a Variant of Uncertain Significance.

NM_000038.6(APC):c.5409A>T (p.Arg1803Ser)

Gene: APC (APC regulator of Wnt signaling pathway; plus strand). Cytogenetic location: 5q22.2.
Variant type: single nucleotide variant.
Coding change: c.5409A>T on transcript NM_000038.6 (MANE Select); coding-DNA position 5409, A replaced by T.
Protein change: p.Arg1803Ser; replaces arginine 1803 with serine.
Molecular consequence: missense variant.
Genome position (GRCh38, 1-based): chr5:112,841,003, A>T. VCF-style: chr5-112841003-A-T. GRCh37 (hg19) VCF-style: chr5-112176700-A-T.
Other names: c.5409A>T, p.Arg1803Ser (NM_001127510.3, NM_001354895.2); c.5355A>T, p.Arg1785Ser (NM_001127511.3); c.5463A>T, p.Arg1821Ser (NM_001354896.2); c.5439A>T, p.Arg1813Ser (NM_001354897.2); c.5334A>T, p.Arg1778Ser (NM_001354898.2); c.5325A>T, p.Arg1775Ser (NM_001354899.2); c.5286A>T, p.Arg1762Ser (NM_001354900.2); c.5232A>T, p.Arg1744Ser (NM_001354901.2); and 5 more; short protein forms R1677S, R1712S, R1744S, R1813S, R1775S, R1778S, R1785S, R1803S.
Identifiers: ClinVar variation 918713 (VCV000918713.12), dbSNP rs766679576, ClinGen allele CA16033155.